The following is an entry in ClinVar:

ClinVar aggregate classification (germline): Likely benign. Review status: criteria provided, multiple submitters, no conflicts (2 of 4 stars). 4 submissions from 4 submitters: Likely benign (3). 1 of the submissions does not count toward it. Last evaluated 2024-11-27.

Conditions:
DNHD1-related disorder. Also called: DNHD1-related condition.

Allele frequency attached by ClinVar (database versions not stated): 1000 Genomes Project 30x 0.00219; 1000 Genomes Project 0.00220; gnomAD exomes 0.00324; ExAC 0.00333; gnomAD 0.00352 and 0.00360; TOPMed 0.00353; ESP Exome Variant Server 0.00385.
gnomAD v4.1: 7,777 of 1,613,638 alleles (0.48%); highest among the groups gnomAD compares: Non-Finnish European, 0.59%; 23 homozygotes.

Submissions (4):

Blueprint Genetics
Classification: Likely benign. Last evaluated: 2024-11-27. Review status: criteria provided, single submitter. Criteria: ACMG Guidelines, 2015. Collection method: clinical testing. Allele origin: germline.

CeGaT Center for Human Genetics Tuebingen
Classification: Likely benign. Last evaluated: 2024-09-01. Review status: criteria provided, single submitter. Criteria: CeGaT Center For Human Genetics Tuebingen Variant Classification Criteria Version 2. Collection method: clinical testing. Allele origin: germline. Affected: yes. Observed: 4 variant alleles.
Comment: DNHD1: BS2

Labcorp Genetics (formerly Invitae), Labcorp
Classification: Likely benign. Last evaluated: 2019-12-31. Review status: criteria provided, single submitter. Criteria: Invitae Variant Classification Sherloc (09022015). Collection method: clinical testing. Allele origin: germline.

PreventionGenetics, part of Exact Sciences
Classification: Likely benign for DNHD1-related condition. Last evaluated: 2019-06-19. Review status: no assertion criteria provided. Collection method: clinical testing. Allele origin: germline. Not counted in ClinVar's aggregate classification.
Comment: This variant is classified as likely benign based on ACMG/AMP sequence variant interpretation guidelines (Richards et al. 2015 PMID: 25741868, with internal and published modifications).

NM_144666.3(DNHD1):c.898G>A (p.Val300Met)

Gene: DNHD1 (dynein heavy chain domain 1; plus strand). Cytogenetic location: 11p15.4.
Variant type: single nucleotide variant.
Coding change: c.898G>A on transcript NM_144666.3 (MANE Select); coding-DNA position 898, G replaced by A.
Protein change: p.Val300Met; replaces valine 300 with methionine.
Molecular consequence: missense variant.
Genome position (GRCh38, 1-based): chr11:6,502,904, G>A. VCF-style: chr11-6502904-G-A. GRCh37 (hg19) VCF-style: chr11-6524134-G-A.
Other names: c.898G>A, p.Val300Met (NM_173589.4); short protein forms V300M.
Identifiers: ClinVar variation 773243 (VCV000773243.30), dbSNP rs150283566, ClinGen allele CA5855421.